The following is an entry in ClinVar:

NM_052867.4(NALCN):c.2307T>G (p.His769Gln)

Gene: NALCN (sodium leak channel, non-selective; minus strand). Cytogenetic location: 13q33.1.
Variant type: single nucleotide variant.
Coding change: c.2307T>G on transcript NM_052867.4 (MANE Select); coding-DNA position 2307, T replaced by G.
Protein change: p.His769Gln; replaces histidine 769 with glutamine.
Molecular consequence: missense variant.
Genome position (GRCh38, 1-based): chr13:101,110,676, A>C on the plus strand (T>G on the coding strand, the complement: NALCN is on the minus strand). VCF-style: chr13-101110676-A-C. GRCh37 (hg19) VCF-style: chr13-101763027-A-C.
Other names: c.2394T>G, p.His798Gln (NM_001350748.2); c.2307T>G, p.His769Gln (NM_001350749.2); c.2220T>G, p.His740Gln (NM_001350750.2, NM_001350751.2); short protein forms H740Q, H769Q, H798Q.
Identifiers: ClinVar variation 1206702 (VCV001206702.12), dbSNP rs147070169, ClinGen allele CA7035749.

ClinVar aggregate classification (germline): Conflicting classifications of pathogenicity. Review status: criteria provided, conflicting classifications (1 of 4 stars). 3 submissions from 3 submitters: Uncertain significance (2); Benign (1). Last evaluated 2025-10-10.

Conditions:
Inborn genetic diseases. Identifiers: MedGen C0950123, MeSH D030342.
Hypotonia, infantile, with psychomotor retardation and characteristic facies 1 (INNFD). Identifiers: Orphanet 371364, Orphanet 700336, MedGen C3809454, MONDO:0024567, OMIM 615419.
Congenital contractures of the limbs and face, hypotonia, and developmental delay (CLIFAHDD). Identifiers: Orphanet 562528, MedGen C4225398, MONDO:0014556, OMIM 616266.

Allele frequency attached by ClinVar (database versions not stated): gnomAD exomes 0.00010; ESP Exome Variant Server 0.00023; ExAC 0.00012; gnomAD 0.00016; TOPMed 0.00016.
gnomAD v4.1: 349 of 1,613,990 alleles (0.022%); highest among the groups gnomAD compares: Non-Finnish European, 0.028%; no homozygotes.

Submissions (3):

Labcorp Genetics (formerly Invitae), Labcorp
Classification: Benign. Last evaluated: 2025-10-10. Review status: criteria provided, single submitter. Criteria: Invitae Variant Classification Sherloc (09022015). Collection method: clinical testing. Allele origin: germline.

Ambry Genetics
Classification: Uncertain significance for Inborn genetic diseases. Last evaluated: 2024-05-29. Review status: criteria provided, single submitter. Criteria: Ambry Variant Classification Scheme 2023. Collection method: clinical testing. Allele origin: germline.

GeneDx
Classification: Uncertain significance. Last evaluated: 2022-10-24. Review status: criteria provided, single submitter. Criteria: GeneDx Variant Classification Process June 2021. Collection method: clinical testing. Allele origin: germline. Affected: yes.
Comment: In silico analysis supports that this missense variant does not alter protein structure/function; Has not been previously published as pathogenic or benign to our knowledge